The following is an entry in ClinVar:

ClinVar aggregate classification (germline): Benign/Likely benign. Review status: criteria provided, multiple submitters, no conflicts (2 of 4 stars). 2 submissions from 2 submitters: Benign (1); Likely benign (1). Last evaluated 2024-04-01.

Conditions:
Familial adenomatous polyposis 1 (FAP1). Also called: POLYPOSIS, ADENOMATOUS INTESTINAL; FAMILIAL ADENOMATOUS POLYPOSIS 1, ATTENUATED. Identifiers: MedGen C2713442, MONDO:0021056, OMIM 175100. Disease mechanism: loss of function.
Hereditary cancer-predisposing syndrome. Also called: Neoplastic Syndromes, Hereditary; Tumor predisposition; Hereditary neoplastic syndrome; Hereditary Cancer Syndrome. Identifiers: Orphanet 140162, MedGen C0027672, MeSH D009386, MONDO:0015356.

Allele frequency attached by ClinVar (database versions not stated): gnomAD exomes below 0.00001.
gnomAD v4.1: 1 of 1,614,080 alleles (0.000062%); highest among the groups gnomAD compares: Non-Finnish European, 0.000085%; no homozygotes.

Submissions (2):

Myriad Genetics, Inc.
Classification: Benign for Familial adenomatous polyposis 1. Last evaluated: 2024-04-01. Review status: criteria provided, single submitter. Criteria: Myriad Autosomal Dominant, Autosomal Recessive and X-Linked Classification Criteria (2023). Collection method: clinical testing. Allele origin: unknown.
Comment: This variant is considered benign. This variant is a silent/synonymous amino acid change and it is not expected to impact splicing.

Ambry Genetics
Classification: Likely benign for Hereditary cancer-predisposing syndrome. Last evaluated: 2023-12-17. Review status: criteria provided, single submitter. Criteria: Ambry Variant Classification Scheme 2023. Collection method: clinical testing. Allele origin: germline.

NM_000038.6(APC):c.5277A>G (p.Ala1759=)

Gene: APC (APC regulator of Wnt signaling pathway; plus strand). Cytogenetic location: 5q22.2.
Variant type: single nucleotide variant.
Coding change: c.5277A>G on transcript NM_000038.6 (MANE Select); coding-DNA position 5277, A replaced by G.
Protein change: p.Ala1759=; no amino-acid change (alanine 1759 retained).
Molecular consequence: synonymous variant. On other transcripts: non-coding transcript variant (2).
Genome position (GRCh38, 1-based): chr5:112,840,871, A>G. VCF-style: chr5-112840871-A-G. GRCh37 (hg19) VCF-style: chr5-112176568-A-G.
Other names: c.5277A>G, p.Ala1759= (NM_001127510.3, NM_001354895.2, NM_001407450.1); c.5223A>G, p.Ala1741= (NM_001127511.3); c.5331A>G, p.Ala1777= (NM_001354896.2, NM_001407447.1, NM_001407448.1 and 1 more transcripts); c.5307A>G, p.Ala1769= (NM_001354897.2); c.5202A>G, p.Ala1734= (NM_001354898.2); c.5193A>G, p.Ala1731= (NM_001354899.2); c.5154A>G, p.Ala1718= (NM_001354900.2); c.5100A>G, p.Ala1700= (NM_001354901.2, NM_001407453.1); and 11 more.
Identifiers: ClinVar variation 3230713 (VCV003230713.2), dbSNP rs2533633460, ClinGen allele CA446209679.
Genomic context (GRCh38, chr5:112,840,871, plus strand): 5'-GCCTTTCCGTGTGAAAAAGATAATGGACCAGGTCCAGCAAGCATCTGCGTCTTCTTCTGC[A>G]CCCAACAAAAATCAGTTAGATGGTAAGAAAAAGAAACCAACTTCACCAGTAAAACCTATA-3'
Protein context (NP_000029.2, residues 1749-1769): QVQQASASSS[Ala1759=]PNKNQLDGKK